The following is an entry in ClinVar:

ClinVar aggregate classification (germline): Uncertain significance (1 of 4 stars; one submission).

Conditions:
Hereditary cancer-predisposing syndrome. Also called: Neoplastic Syndromes, Hereditary; Tumor predisposition; Hereditary Cancer Syndrome; Hereditary neoplastic syndrome. Identifiers: Orphanet 140162, MedGen C0027672, MeSH D009386, MONDO:0015356.

Submission:

Ambry Genetics
Classification: Uncertain significance for Hereditary cancer-predisposing syndrome. Last evaluated: 2022-08-18. Review status: criteria provided, single submitter. Criteria: Ambry Variant Classification Scheme 2023. Collection method: clinical testing. Allele origin: germline.
Comment: The p.G233V variant (also known as c.698G>T), located in coding exon 3 of the SMARCA4 gene, results from a G to T substitution at nucleotide position 698. The glycine at codon 233 is replaced by valine, an amino acid with dissimilar properties. This amino acid position is highly conserved in available vertebrate species. In addition, the in silico prediction for this alteration is inconclusive. Missense and in-frame variants in SMARCA4 are known to cause neurodevelopmental disorders; however, such associations with rhabdoid tumor predisposition syndrome including small cell carcinoma of the ovary-hypercalcemic type (SCCOHT) are exceedingly rare (Kosho T et al. Am J Med Genet C Semin Med Genet. 2014 Sep;166C(3):262-75; Jelinic P et al. Nat Genet. 2014 May;46(5):424-6). Since supporting evidence is limited at this time, the clinical significance of this alteration remains unclear.

NM_003072.5(SMARCA4):c.698G>T (p.Gly233Val)

Gene: SMARCA4 (SWI/SNF related BAF chromatin remodeling complex subunit ATPase 4; plus strand). Cytogenetic location: 19p13.2.
Variant type: single nucleotide variant.
Coding change: c.698G>T on transcript NM_003072.5 (MANE Select); coding-DNA position 698, G replaced by T.
Protein change: p.Gly233Val; replaces glycine 233 with valine.
Molecular consequence: missense variant. On other transcripts: non-coding transcript variant (1).
Genome position (GRCh38, 1-based): chr19:10,986,531, G>T. VCF-style: chr19-10986531-G-T. GRCh37 (hg19) VCF-style: chr19-11097207-G-T.
Other names: c.698G>T, p.Gly233Val (NM_001128844.3, NM_001128845.2, NM_001128846.2 and 6 more transcripts); short protein forms G233V.
Identifiers: ClinVar variation 1756469 (VCV001756469.2), dbSNP rs878854238, ClinGen allele CA404057057.